The following is an entry in ClinVar:

NM_198586.3(NHLRC1):c.121C>T (p.Pro41Ser)

Gene: NHLRC1 (NHL repeat containing E3 ubiquitin protein ligase 1; minus strand). Cytogenetic location: 6p22.3.
Variant type: single nucleotide variant.
Coding change: c.121C>T on transcript NM_198586.3 (MANE Select); coding-DNA position 121, C replaced by T.
Protein change: p.Pro41Ser; replaces proline 41 with serine.
Molecular consequence: missense variant.
Genome position (GRCh38, 1-based): chr6:18,122,486, G>A on the plus strand (C>T on the coding strand, the complement: NHLRC1 is on the minus strand). VCF-style: chr6-18122486-G-A. GRCh37 (hg19) VCF-style: chr6-18122717-G-A.
Other names: short protein forms P41S.
Identifiers: ClinVar variation 2123429 (VCV002123429.4), dbSNP rs1405169943, ClinGen allele CA362829502.
Genomic context (GRCh38, chr6:18,122,486, plus strand): 5'-GGTGCGCCAGGGCGGCCACGCAGGCCAGGCAGACCACGTGGCCGCAGGACAGGTTGCGCG[G>A]GCGCCGCTGCTGCCGGTGGCCAAACTTCTCAAAGCACACCTTGCACTCGAGCAGGCTGAT-3'
Protein context (NP_940988.2, residues 31-51): EKFGHRQQRR[Pro41Ser]RNLSCGHVVC

ClinVar aggregate classification (germline): Uncertain significance (1 of 4 stars; one submission).

Conditions:
Lafora disease. Also called: Epilepsy progressive myoclonic 2; Progressive Myoclonus Epilepsy, Lafora Type. Identifiers: Orphanet 501, MedGen C0751783, MONDO:0009697.

Allele frequency attached by ClinVar (database versions not stated): gnomAD exomes below 0.00001.
gnomAD v4.1: 1 of 1,597,086 alleles (0.000063%); highest among the groups gnomAD compares: Admixed American, 0.0017%; no homozygotes.

Submission:

Labcorp Genetics (formerly Invitae), Labcorp
Classification: Uncertain significance for Lafora disease. Last evaluated: 2022-04-09. Review status: criteria provided, single submitter. Criteria: Invitae Variant Classification Sherloc (09022015). Collection method: clinical testing. Allele origin: germline.
Comment: This sequence change replaces proline, which is neutral and non-polar, with serine, which is neutral and polar, at codon 41 of the NHLRC1 protein (p.Pro41Ser). The frequency data for this variant in the population databases is considered unreliable, as metrics indicate poor data quality at this position in the gnomAD database. This variant has not been reported in the literature in individuals affected with NHLRC1-related conditions. Algorithms developed to predict the effect of missense changes on protein structure and function (SIFT, PolyPhen-2, Align-GVGD) all suggest that this variant is likely to be disruptive. In summary, the available evidence is currently insufficient to determine the role of this variant in disease. Therefore, it has been classified as a Variant of Uncertain Significance.